The following is an entry in ClinVar:

ClinVar aggregate classification (germline): Uncertain significance. Review status: criteria provided, multiple submitters, no conflicts (2 of 4 stars). 3 submissions from 3 submitters: Uncertain significance (3). Last evaluated 2024-11-23.

Conditions:
Inborn genetic diseases. Identifiers: MedGen C0950123, MeSH D030342.

Allele frequency attached by ClinVar (database versions not stated): gnomAD exomes 0.00001 and 0.00005; ExAC 0.00002; gnomAD 0.00002 and 0.00004; TOPMed 0.00002; 1000 Genomes Project 30x 0.00016; 1000 Genomes Project 0.00020.
gnomAD v4.1: 71 of 1,613,998 alleles (0.0044%); highest among the groups gnomAD compares: African/African-American, 0.008%; no homozygotes.

Submissions (3):

Ambry Genetics
Classification: Uncertain significance for Inborn genetic diseases. Last evaluated: 2024-11-23. Review status: criteria provided, single submitter. Criteria: Ambry Variant Classification Scheme 2023. Collection method: clinical testing. Allele origin: germline.
Comment: The p.R72C variant (also known as c.214C>T), located in coding exon 2 of the USB1 gene, results from a C to T substitution at nucleotide position 214. The arginine at codon 72 is replaced by cysteine, an amino acid with highly dissimilar properties. This amino acid position is conserved. In addition, this alteration is predicted to be deleterious by in silico analysis. Based on the available evidence, the clinical significance of this variant remains unclear.

Labcorp Genetics (formerly Invitae), Labcorp
Classification: Uncertain significance. Last evaluated: 2021-08-27. Review status: criteria provided, single submitter. Criteria: Invitae Variant Classification Sherloc (09022015). Collection method: clinical testing. Allele origin: germline.
Comment: In summary, the available evidence is currently insufficient to determine the role of this variant in disease. Therefore, it has been classified as a Variant of Uncertain Significance. Algorithms developed to predict the effect of missense changes on protein structure and function are either unavailable or do not agree on the potential impact of this missense change (SIFT: "Not Available"; PolyPhen-2: "Probably Damaging"; Align-GVGD: "Not Available"). This variant has not been reported in the literature in individuals with USB1-related conditions. This variant is present in population databases (rs567360825, ExAC 0.01%). This sequence change replaces arginine with cysteine at codon 72 of the USB1 protein (p.Arg72Cys). The arginine residue is highly conserved and there is a large physicochemical difference between arginine and cysteine.

Genetic Services Laboratory, University of Chicago
Classification: Uncertain significance. Last evaluated: 2019-09-10. Review status: criteria provided, single submitter. Criteria: ACMG Guidelines, 2015. Collection method: clinical testing. Allele origin: germline. Affected: no.

NM_024598.4(USB1):c.214C>T (p.Arg72Cys)

Gene: USB1 (U6 snRNA biogenesis phosphodiesterase 1; plus strand). Cytogenetic location: 16q21.
Variant type: single nucleotide variant.
Coding change: c.214C>T on transcript NM_024598.4 (MANE Select); coding-DNA position 214, C replaced by T.
Protein change: p.Arg72Cys; replaces arginine 72 with cysteine.
Molecular consequence: missense variant.
Genome position (GRCh38, 1-based): chr16:58,002,594, C>T. VCF-style: chr16-58002594-C-T. GRCh37 (hg19) VCF-style: chr16-58036498-C-T.
Other names: c.214C>T, p.Arg72Cys (NM_001195302.2, NM_001204911.2, NM_001330569.2); c.61C>T, p.Arg21Cys (NM_001330568.2); short protein forms R21C, R72C.
Identifiers: ClinVar variation 1337362 (VCV001337362.9), dbSNP rs567360825, ClinGen allele CA8084835.
Genomic context (GRCh38, chr16:58,002,594, plus strand): 5'-ATGTTCCCGGGCACCGAGGAGGGGCCTGAAGATGACAGCACAAAACACGGGGGACGGGTG[C>T]GCACCTTCCCCCACGAGCGAGGCAACTGGGCCACCCACGTCTATGTACCATGTGAGTGAT-3'
Protein context (NP_078874.2, residues 62-82): DDSTKHGGRV[Arg72Cys]TFPHERGNWA